The following is an entry in ClinVar:

ClinVar aggregate classification (germline): Uncertain significance. Review status: criteria provided, multiple submitters, no conflicts (2 of 4 stars). 3 submissions from 3 submitters: Uncertain significance (3). Last evaluated 2024-08-23.

Conditions:
Familial thoracic aortic aneurysm and aortic dissection (TAAD). Also called: Thoracic aortic aneurysms and dissections. Identifiers: Orphanet 91387, MedGen C4707243, MONDO:0019625.
Aortic aneurysm, familial thoracic 4 (AAT4). Also called: AORTIC ANEURYSM/AORTIC DISSECTION AND PATENT DUCTUS ARTERIOSUS. Identifiers: MedGen C1851504, MONDO:0007568, OMIM 132900.

Allele frequency attached by ClinVar (database versions not stated): gnomAD exomes below 0.00001; ExAC 0.00001.
gnomAD v4.1: 6 of 1,603,752 alleles (0.00037%); highest among the groups gnomAD compares: South Asian, 0.0066%; no homozygotes.

Submissions (3):

All of Us Research Program, National Institutes of Health
Classification: Uncertain significance for Familial thoracic aortic aneurysm and aortic dissection. Last evaluated: 2024-08-23. Review status: criteria provided, single submitter. Criteria: ACMG Guidelines, 2015. Collection method: clinical testing. Allele origin: germline. Inheritance: Autosomal dominant inheritance. Observed: 2 variant alleles, 2 heterozygotes.
Comment: This missense variant replaces glutamic acid with glutamine at codon 1749 of the MYH11 protein. Computational prediction suggests that this variant may not impact protein structure and function (internally defined REVEL score threshold <= 0.5, PMID: 27666373). Splice site prediction tools suggest that this variant may not impact RNA splicing. To our knowledge, functional studies have not been performed for this variant. This variant has not been reported in individuals affected with cardiovascular disorders in the literature. This variant has been identified in 1/238472 chromosomes in the general population by the Genome Aggregation Database (gnomAD). The available evidence is insufficient to determine the role of this variant in disease conclusively. Therefore, this variant is classified as a Variant of Uncertain Significance.

This study involves interpretation of variants in research participants for the purpose of population health screening. Participant phenotype was not available at the time of variant classification. Additional details can be found in publication PMID: 35346344, PMCID: PMC8962531

Color Diagnostics, LLC DBA Color Health
Classification: Uncertain significance for Familial thoracic aortic aneurysm and aortic dissection. Last evaluated: 2024-03-06. Review status: criteria provided, single submitter. Criteria: ACMG Guidelines, 2015. Collection method: clinical testing. Allele origin: germline.
Comment: This missense variant replaces glutamic acid with glutamine at codon 1749 of the MYH11 protein. Computational prediction suggests that this variant may not impact protein structure and function (internally defined REVEL score threshold <= 0.5, PMID: 27666373). Splice site prediction tools suggest that this variant may not impact RNA splicing. To our knowledge, functional studies have not been performed for this variant. This variant has not been reported in individuals affected with cardiovascular disorders in the literature. This variant has been identified in 1/238472 chromosomes in the general population by the Genome Aggregation Database (gnomAD). The available evidence is insufficient to determine the role of this variant in disease conclusively. Therefore, this variant is classified as a Variant of Uncertain Significance.

Labcorp Genetics (formerly Invitae), Labcorp
Classification: Uncertain significance for Aortic aneurysm, familial thoracic 4. Last evaluated: 2021-12-29. Review status: criteria provided, single submitter. Criteria: Invitae Variant Classification Sherloc (09022015). Collection method: clinical testing. Allele origin: germline.
Comment: ClinVar contains an entry for this variant (Variation ID: 918781). This variant has not been reported in the literature in individuals affected with MYH11-related conditions. This variant is present in population databases (rs769680879, gnomAD 0.003%). This sequence change replaces glutamic acid, which is acidic and polar, with glutamine, which is neutral and polar, at codon 1749 of the MYH11 protein (p.Glu1749Gln). Algorithms developed to predict the effect of missense changes on protein structure and function (SIFT, PolyPhen-2, Align-GVGD) all suggest that this variant is likely to be disruptive. In summary, the available evidence is currently insufficient to determine the role of this variant in disease. Therefore, it has been classified as a Variant of Uncertain Significance.

NM_002474.3(MYH11):c.5224G>C (p.Glu1742Gln)

Genes: MYH11 (myosin heavy chain 11; minus strand), NDE1 (nudE neurodevelopment protein 1; plus strand). Cytogenetic location: 16p13.11.
Variant type: single nucleotide variant.
Coding change: c.5224G>C on transcript NM_002474.3 (MANE Select); coding-DNA position 5224, G replaced by C.
Protein change: p.Glu1742Gln; replaces glutamic acid 1742 with glutamine.
Molecular consequence: missense variant. On other transcripts: intron variant (2).
Genome position (GRCh38, 1-based): chr16:15,718,386, C>G on the plus strand (G>C on the coding strand, the complement: MYH11 is on the minus strand). VCF-style: chr16-15718386-C-G. GRCh37 (hg19) VCF-style: chr16-15812243-C-G.
Other names: c.5245G>C, p.Glu1749Gln (NM_001040113.2, NM_001040114.2); c.5224G>C, p.Glu1742Gln (NM_022844.3); c.948-5805C>G (NM_001143979.2, NM_017668.3); short protein forms E1742Q, E1749Q.
Identifiers: ClinVar variation 918781 (VCV000918781.10), dbSNP rs769680879, ClinGen allele CA7921363.